The following is an entry in ClinVar:

NM_001191057.4(PDE1C):c.1945C>T (p.Arg649Cys)

Gene: PDE1C (phosphodiesterase 1C; minus strand). Cytogenetic location: 7p14.3.
Variant type: single nucleotide variant.
Coding change: c.1945C>T on transcript NM_001191057.4 (MANE Select); coding-DNA position 1945, C replaced by T.
Protein change: p.Arg649Cys; replaces arginine 649 with cysteine.
Molecular consequence: missense variant.
Genome position (GRCh38, 1-based): chr7:31,775,679, G>A on the plus strand (C>T on the coding strand, the complement: PDE1C is on the minus strand). VCF-style: chr7-31775679-G-A. GRCh37 (hg19) VCF-style: chr7-31815293-G-A.
Other names: c.2125C>T, p.Arg709Cys (NM_001191058.4); c.1945C>T, p.Arg649Cys (NM_001191059.4, NM_001322055.2); short protein forms R709C, R649C.
Identifiers: ClinVar variation 4987471 (VCV004987471.1).

ClinVar aggregate classification (germline): Uncertain significance (1 of 4 stars; one submission).

Conditions:
PDE1C-related disorder. Also called: PDE1C-related condition.

gnomAD v4.1: 34 of 1,612,664 alleles (0.0021%); highest among the groups gnomAD compares: Admixed American, 0.0067%; no homozygotes.

Submission:

PreventionGenetics, part of Exact Sciences
Classification: Uncertain significance for PDE1C-related condition. Last evaluated: 2026-02-04. Review status: criteria provided, single submitter. Criteria: ACMG Guidelines, 2015. Collection method: clinical testing. Allele origin: germline.
Comment: The PDE1C c.2125C>T variant is predicted to result in the amino acid substitution p.Arg709Cys. To our knowledge, this variant has not been reported in the literature. This variant is reported in 0.0085% of alleles in individuals of Latino descent in gnomAD. At this time, the clinical significance of this variant is uncertain due to the absence of conclusive functional and genetic evidence.